The following is an entry in ClinVar:

NM_000548.5(TSC2):c.3662C>A (p.Ser1221Ter)

Gene: TSC2 (TSC complex subunit 2; plus strand). Cytogenetic location: 16p13.3.
Variant type: single nucleotide variant.
Coding change: c.3662C>A on transcript NM_000548.5 (MANE Select); coding-DNA position 3662, C replaced by A.
Protein change: p.Ser1221Ter; replaces serine 1221 with a stop codon.
Molecular consequence: nonsense.
Genome position (GRCh38, 1-based): chr16:2,081,646, C>A. VCF-style: chr16-2081646-C-A. GRCh37 (hg19) VCF-style: chr16-2131647-C-A.
Other names: c.3530C>A, p.Ser1177Ter (NM_001077183.3, NM_001370404.1); c.3662C>A, p.Ser1221Ter (NM_001114382.3); c.3422C>A, p.Ser1141Ter (NM_001318827.2); c.3386C>A, p.Ser1129Ter (NM_001318829.2); c.2930C>A, p.Ser977Ter (NM_001318831.2); c.3563C>A, p.Ser1188Ter (NM_001318832.2); c.3533C>A, p.Ser1178Ter (NM_001363528.2, NM_001370405.1, NM_021055.3); short protein forms S1221*, S1129*, S977*, S1178*, S1177*, S1141*, S1188*.
Identifiers: ClinVar variation 49269 (VCV000049269.6), dbSNP rs45517305, ClinGen allele CA019446.

ClinVar aggregate classification (germline): Pathogenic. Review status: criteria provided, single submitter (1 of 4 stars). 2 submissions from 2 submitters: Pathogenic (1). 1 of the submissions does not count toward it. Last evaluated 2017-09-03.

Conditions:
Tuberous sclerosis syndrome (TSC). Also called: Tuberous Sclerosis Complex; Tuberous sclerosis. Identifiers: Orphanet 805, MedGen C0041341, MONDO:0001734.
Tuberous sclerosis 2 (TSC2). Identifiers: Orphanet 805, MedGen C1860707, MONDO:0013199, OMIM 613254.

Submissions (2):

Labcorp Genetics (formerly Invitae), Labcorp
Classification: Pathogenic for Tuberous sclerosis 2. Last evaluated: 2017-09-03. Review status: criteria provided, single submitter. Criteria: Invitae Variant Classification Sherloc (09022015). Collection method: clinical testing. Allele origin: germline.
Comment: For these reasons, this variant has been classified as Pathogenic. Loss-of-function variants in TSC2 are known to be pathogenic (PMID: 10205261, 17304050). This variant has been reported to arise de novo in an individual affected with tuberous sclerosis complex (PMID: 10215407). ClinVar contains an entry for this variant (Variation ID: 49269). This variant is not present in population databases (ExAC no frequency). This sequence change creates a premature translational stop signal (p.Ser1221*) in the TSC2 gene. It is expected to result in an absent or disrupted protein product.

Tuberous sclerosis database (TSC2)
No classification provided. Condition: TSC. Review status: no classification provided. Criteria: Tuberous Sclerosis Database Assertion Criteria 2015. Collection method: curation. Allele origin: germline. Affected: yes. Not counted in ClinVar's aggregate classification.

Literature cited by the submitters: PubMed 10205261 (cited by Labcorp Genetics (formerly Invitae), Labcorp); PubMed 17304050 (cited by Labcorp Genetics (formerly Invitae), Labcorp); PubMed 10215407 (cited by Labcorp Genetics (formerly Invitae), Labcorp).